The following is an entry in ClinVar:

ClinVar aggregate classification (germline): Uncertain significance. Review status: criteria provided, multiple submitters, no conflicts (2 of 4 stars). 2 submissions from 2 submitters: Uncertain significance (2). Last evaluated 2025-09-22.

Conditions:
Familial hemophagocytic lymphohistiocytosis 3 (FHL3). Also called: UNC13D-Related Familial Hemophagocytic Lymphohistiocytosis (UNC13D-fHLH). Identifiers: Orphanet 540, MedGen C1837174, MONDO:0012146, OMIM 608898.
Inborn genetic diseases. Identifiers: MedGen C0950123, MeSH D030342.

Allele frequency attached by ClinVar (database versions not stated): gnomAD exomes 0.00001; TOPMed 0.00002; gnomAD 0.00004 and 0.00005.

Submissions (2):

Ambry Genetics
Classification: Uncertain significance for Inborn genetic diseases. Last evaluated: 2025-09-22. Review status: criteria provided, single submitter. Criteria: Ambry Variant Classification Scheme 2023. Collection method: clinical testing. Allele origin: germline.

Labcorp Genetics (formerly Invitae), Labcorp
Classification: Uncertain significance for Familial hemophagocytic lymphohistiocytosis 3. Last evaluated: 2022-05-30. Review status: criteria provided, single submitter. Criteria: Invitae Variant Classification Sherloc (09022015). Collection method: clinical testing. Allele origin: germline.
Comment: This sequence change replaces arginine, which is basic and polar, with cysteine, which is neutral and slightly polar, at codon 23 of the UNC13D protein (p.Arg23Cys). This variant is present in population databases (rs575632298, gnomAD 0.005%). This variant has not been reported in the literature in individuals affected with UNC13D-related conditions. ClinVar contains an entry for this variant (Variation ID: 1505361). Algorithms developed to predict the effect of missense changes on protein structure and function are either unavailable or do not agree on the potential impact of this missense change (SIFT: "Not Available"; PolyPhen-2: "Possibly Damaging"; Align-GVGD: "Not Available"). Algorithms developed to predict the effect of sequence changes on RNA splicing suggest that this variant may create or strengthen a splice site. In summary, the available evidence is currently insufficient to determine the role of this variant in disease. Therefore, it has been classified as a Variant of Uncertain Significance.

NM_199242.3(UNC13D):c.67C>T (p.Arg23Cys)

Gene: UNC13D (unc-13 homolog D; minus strand). Cytogenetic location: 17q25.1.
Variant type: single nucleotide variant.
Coding change: c.67C>T on transcript NM_199242.3 (MANE Select); coding-DNA position 67, C replaced by T.
Protein change: p.Arg23Cys; replaces arginine 23 with cysteine.
Molecular consequence: missense variant.
Genome position (GRCh38, 1-based): chr17:75,844,271, G>A on the plus strand (C>T on the coding strand, the complement: UNC13D is on the minus strand). VCF-style: chr17-75844271-G-A. GRCh37 (hg19) VCF-style: chr17-73840352-G-A.
Other names: c.67C>T (NM_199242.2); short protein forms R23C.
Identifiers: ClinVar variation 1505361 (VCV001505361.4), dbSNP rs575632298, ClinGen allele CA294091606.
Genomic context (GRCh38, chr17:75,844,271, plus strand): 5'-TCACTCCTACCTCCGGGGCCATTTGGGGCGGGGGATCCTGTAGATCTCTGACTCTGCGGC[G>A]CCTTATCTTGATGGCCTGGCGCAAGAAGGGAGGGCGCTGCTGCGGATGGGAGAGGAGTGT-3'
Protein context (NP_954712.1, residues 13-33): PFLRQAIKIR[Arg23Cys]RRVRDLQDPP